The following is an entry in ClinVar:

ClinVar aggregate classification (germline): Uncertain significance (1 of 4 stars; one submission).

Conditions:
Brugada syndrome 8 (BRGDA8). Identifiers: Orphanet 130, MedGen C2751083, MONDO:0013148, OMIM 613123.

Submission:

Labcorp Genetics (formerly Invitae), Labcorp
Classification: Uncertain significance for Brugada syndrome 8. Last evaluated: 2025-06-10. Review status: criteria provided, single submitter. Criteria: Invitae Variant Classification Sherloc (09022015). Collection method: clinical testing. Allele origin: germline.
Comment: This sequence change affects a splice site in intron 2 of the HCN4 gene. It is expected to disrupt RNA splicing. Variants that disrupt the donor or acceptor splice site typically lead to a loss of protein function (PMID: 16199547), however the current clinical and genetic evidence is not sufficient to establish whether loss-of-function variants in HCN4 cause disease. Information on the frequency of this variant in the gnomAD database is not available, as this variant may be reported differently in the database. This variant has not been reported in the literature in individuals affected with HCN4-related conditions. In summary, the available evidence is currently insufficient to determine the role of this variant in disease. Therefore, it has been classified as a Variant of Uncertain Significance.

Literature cited by the submitters: PubMed 16199547.

NM_005477.3(HCN4):c.1210-1_1210delinsCT

Gene: HCN4 (hyperpolarization activated cyclic nucleotide gated potassium channel 4; minus strand). Cytogenetic location: 15q24.1.
Variant type: Indel.
Coding change: c.1210-1_1210delinsCT on transcript NM_005477.3 (MANE Select); the canonical splice acceptor site of the intron before coding-DNA position 1210 through coding-DNA position 1210, GA replaced by CT.
Molecular consequence: splice acceptor variant.
Genome position (GRCh38, 1-based): chr15:73,332,292-73,332,293, TC replaced by AG on the plus strand (GA replaced by CT on the coding strand, the reverse complement: HCN4 is on the minus strand). VCF-style: chr15-73332292-TC-AG. GRCh37 (hg19) VCF-style: chr15-73624633-TC-AG.
Identifiers: ClinVar variation 4809659 (VCV004809659.1).